The following is an entry in ClinVar:

NM_001103.4(ACTN2):c.1324C>T (p.Arg442Trp)

Gene: ACTN2 (actinin alpha 2; plus strand). Cytogenetic location: 1q43.
Variant type: single nucleotide variant.
Coding change: c.1324C>T on transcript NM_001103.4 (MANE Select); coding-DNA position 1324, C replaced by T.
Protein change: p.Arg442Trp; replaces arginine 442 with tryptophan.
Molecular consequence: missense variant.
Genome position (GRCh38, 1-based): chr1:236,744,694, C>T. VCF-style: chr1-236744694-C-T. GRCh37 (hg19) VCF-style: chr1-236907994-C-T.
Other names: c.1324C>T, p.Arg442Trp (NM_001278343.2); c.700C>T, p.Arg234Trp (NM_001278344.2); short protein forms R234W, R442W.
Identifiers: ClinVar variation 650383 (VCV000650383.17), dbSNP rs769073315, ClinGen allele CA1473119.

ClinVar aggregate classification (germline): Conflicting classifications of pathogenicity. Review status: criteria provided, conflicting classifications (1 of 4 stars). 4 submissions from 4 submitters: Uncertain significance (3); Benign (1). Last evaluated 2026-04-17.

Conditions:
Dilated cardiomyopathy 1AA (CMD1AA). Also called: Cardiomyopathy, dilated, 1AA, with or without LVNC; CARDIOMYOPATHY, DILATED, 1AA, WITH OR WITHOUT LEFT VENTRICULAR NONCOMPACTION; CARDIOMYOPATHY, FAMILIAL HYPERTROPHIC, 23, WITH OR WITHOUT LEFT VENTRICULAR NONCOMPACTION. Identifiers: Orphanet 154, MedGen C2677338, MONDO:0012808, OMIM 612158.
Primary familial hypertrophic cardiomyopathy (HCM). Identifiers: Orphanet 99739, MedGen C0949658, MeSH D024741, MONDO:0024573. Inheritance: Various modes of inheritance.
Myopathy, congenital, with structured cores and z-line abnormalities. Also called: MULTIPLE STRUCTURED CORE DISEASE; CONGENITAL MYOPATHY 8. Identifiers: MedGen C5231445, MONDO:0032852, OMIM 618654.
Myopathy, distal, 6, adult-onset, autosomal dominant. Identifiers: MedGen C5203349, MONDO:0032853, OMIM 618655.
Cardiovascular phenotype. Identifiers: MedGen CN230736.

Allele frequency attached by ClinVar (database versions not stated): gnomAD 0.00003 and 0.00005; TOPMed 0.00004; gnomAD exomes below 0.00001; ExAC 0.00001.
gnomAD v4.1: 36 of 1,614,096 alleles (0.0022%); highest among the groups gnomAD compares: African/African-American, 0.0053%; no homozygotes.

Submissions (4):

GeneDx
Classification: Uncertain significance. Last evaluated: 2026-04-17. Review status: criteria provided, single submitter. Criteria: GeneDx Variant Classification Process June 2021. Collection method: clinical testing. Allele origin: germline.
Comment: Not observed at significant frequency in large population cohorts (gnomAD); In silico analysis supports that this missense variant has a deleterious effect on protein structure/function; Has not been previously published as pathogenic or benign to our knowledge

Ambry Genetics
Classification: Uncertain significance for Cardiovascular phenotype. Last evaluated: 2025-10-25. Review status: criteria provided, single submitter. Criteria: Ambry Variant Classification Scheme 2023. Collection method: clinical testing. Allele origin: germline.
Comment: The p.R442W variant (also known as c.1324C>T), located in coding exon 12 of the ACTN2 gene, results from a C to T substitution at nucleotide position 1324. The arginine at codon 442 is replaced by tryptophan, an amino acid with dissimilar properties. This amino acid position is highly conserved in available vertebrate species. In addition, this alteration is predicted to be deleterious by in silico analysis. Since supporting evidence is limited at this time, the clinical significance of this alteration remains unclear.

Labcorp Genetics (formerly Invitae), Labcorp
Classification: Benign for Primary familial hypertrophic cardiomyopathy; Dilated cardiomyopathy 1AA. Last evaluated: 2025-08-26. Review status: criteria provided, single submitter. Criteria: Invitae Variant Classification Sherloc (09022015). Collection method: clinical testing. Allele origin: germline.

Fulgent Genetics
Classification: Uncertain significance for Dilated cardiomyopathy 1AA; Myopathy, congenital, with structured cores and z-line abnormalities; Myopathy, distal, 6, adult-onset, autosomal dominant. Last evaluated: 2021-08-19. Review status: criteria provided, single submitter. Criteria: ACMG Guidelines, 2015. Collection method: clinical testing. Allele origin: unknown.